The following is an entry in ClinVar:

ClinVar aggregate classification (germline): Uncertain significance (1 of 4 stars; one submission).

Conditions:
Cardiovascular phenotype. Identifiers: MedGen CN230736.

Allele frequency attached by ClinVar (database versions not stated): TOPMed 0.00001.
gnomAD v4.1: 1 of 1,614,144 alleles (0.000062%); highest among the groups gnomAD compares: African/African-American, 0.0013%; no homozygotes.

Submission:

Ambry Genetics
Classification: Uncertain significance for Cardiovascular phenotype. Last evaluated: 2023-08-29. Review status: criteria provided, single submitter. Criteria: Ambry Variant Classification Scheme 2023. Collection method: clinical testing. Allele origin: germline.
Comment: The c.1107-5C>A intronic variant results from a C to A substitution 5 nucleotides upstream from coding exon 2 in the KCND3 gene. This nucleotide position is not well conserved in available vertebrate species. In silico splice site analysis predicts that this alteration will not have any significant effect on splicing. Since supporting evidence is limited at this time, the clinical significance of this alteration remains unclear.

NM_001378969.1(KCND3):c.1107-5C>A

Gene: KCND3 (potassium voltage-gated channel subfamily D member 3; minus strand). Cytogenetic location: 1p13.2.
Variant type: single nucleotide variant.
Coding change: c.1107-5C>A on transcript NM_001378969.1 (MANE Select); 5 bases into the intron before coding-DNA position 1107, C replaced by A.
Molecular consequence: intron variant.
Genome position (GRCh38, 1-based): chr1:111,787,111, G>T on the plus strand (C>A on the coding strand, the complement: KCND3 is on the minus strand). VCF-style: chr1-111787111-G-T. GRCh37 (hg19) VCF-style: chr1-112329733-G-T.
Other names: c.1107-5C>A (NM_001378970.1, NM_172198.3, NM_004980.5).
Identifiers: ClinVar variation 2625193 (VCV002625193.2), dbSNP rs1306796909, ClinGen allele CA525360656.